The following is an entry in ClinVar:

NM_207346.3(TSEN54):c.898C>T (p.Gln300Ter)

Gene: TSEN54 (tRNA splicing endonuclease subunit 54; plus strand). Cytogenetic location: 17q25.1.
Variant type: single nucleotide variant.
Coding change: c.898C>T on transcript NM_207346.3 (MANE Select); coding-DNA position 898, C replaced by T.
Protein change: p.Gln300Ter; replaces glutamine 300 with a stop codon.
Molecular consequence: nonsense.
Genome position (GRCh38, 1-based): chr17:75,521,979, C>T. VCF-style: chr17-75521979-C-T. GRCh37 (hg19) VCF-style: chr17-73518060-C-T.
Other names: short protein forms Q300*.
Identifiers: ClinVar variation 3342904 (VCV003342904.1).

ClinVar aggregate classification (germline): Likely pathogenic (1 of 4 stars; one submission).

Submission:

GeneDx
Classification: Likely pathogenic. Last evaluated: 2023-04-05. Review status: criteria provided, single submitter. Criteria: GeneDx Variant Classification Process June 2021. Collection method: clinical testing. Allele origin: germline. Affected: yes.
Comment: Nonsense variant predicted to result in nonsense mediated decay in a gene for which loss of function is a known mechanism of disease; Not observed at significant frequency in large population cohorts (gnomAD); Has not been previously published as pathogenic or benign to our knowledge